The following is an entry in ClinVar:

NM_001040142.2(SCN2A):c.37A>G (p.Ser13Gly)

Gene: SCN2A (sodium voltage-gated channel alpha subunit 2; plus strand). Cytogenetic location: 2q24.3.
Variant type: single nucleotide variant.
Coding change: c.37A>G on transcript NM_001040142.2 (MANE Select); coding-DNA position 37, A replaced by G.
Protein change: p.Ser13Gly; replaces serine 13 with glycine.
Molecular consequence: missense variant.
Genome position (GRCh38, 1-based): chr2:165,295,860, A>G. VCF-style: chr2-165295860-A-G. GRCh37 (hg19) VCF-style: chr2-166152370-A-G.
Other names: c.37A>G, p.Ser13Gly (NM_001040143.2, NM_001371246.1, NM_001371247.1 and 1 more transcripts); short protein forms S13G.
Identifiers: ClinVar variation 1317212 (VCV001317212.2), dbSNP rs2106148981, ClinGen allele CA349009731.
Genomic context (GRCh38, chr2:165,295,860, plus strand): 5'-TGATTAAAGGAGCAGGATGAAAAGATGGCACAGTCAGTGCTGGTACCGCCAGGACCTGAC[A>G]GCTTCCGCTTCTTTACCAGGGAATCCCTTGCTGCTATTGAACAACGCATTGCAGAAGAGA-3'
Protein context (NP_001035232.1, residues 3-23): QSVLVPPGPD[Ser13Gly]FRFFTRESLA

ClinVar aggregate classification (germline): Uncertain significance (1 of 4 stars; one submission).

Submission:

GeneDx
Classification: Uncertain significance. Last evaluated: 2019-07-05. Review status: criteria provided, single submitter. Criteria: GeneDx Variant Classification Process June 2021. Collection method: clinical testing. Allele origin: germline. Affected: yes.
Comment: Not observed in large population cohorts (Lek et al., 2016); The majority of missense variants in this gene are considered pathogenic (Stenson et al., 2014); In silico analysis, which includes protein predictors and evolutionary conservation, supports a deleterious effect; Has not been previously published as pathogenic or benign to our knowledge; This substitution is predicted to be within the N-terminal cytoplasmic domain of the protein